The following is an entry in ClinVar:

NM_024747.6(HPS6):c.1253G>T (p.Gly418Val)

Gene: HPS6 (HPS6 biogenesis of lysosomal organelles complex 2 subunit 3; plus strand). Cytogenetic location: 10q24.32.
Variant type: single nucleotide variant.
Coding change: c.1253G>T on transcript NM_024747.6 (MANE Select); coding-DNA position 1253, G replaced by T.
Protein change: p.Gly418Val; replaces glycine 418 with valine.
Molecular consequence: missense variant.
Genome position (GRCh38, 1-based): chr10:102,066,727, G>T. VCF-style: chr10-102066727-G-T. GRCh37 (hg19) VCF-style: chr10-103826484-G-T.
Other names: p.Gly418Val; short protein forms G418V.
Identifiers: ClinVar variation 879247 (VCV000879247.10), dbSNP rs201468546, ClinGen allele CA5659952.

ClinVar aggregate classification (germline): Uncertain significance. Review status: criteria provided, multiple submitters, no conflicts (2 of 4 stars). 4 submissions from 4 submitters: Uncertain significance (4). Last evaluated 2025-05-19.

Conditions:
Hermansky-Pudlak syndrome 6 (HPS6). Identifiers: Orphanet 231512, Orphanet 79430, MedGen C3888007, MONDO:0013558, OMIM 614075.

Allele frequency attached by ClinVar (database versions not stated): ESP Exome Variant Server 0.00008; TOPMed 0.00012.
gnomAD v4.1: 196 of 1,613,980 alleles (0.012%); highest among the groups gnomAD compares: Middle Eastern, 0.18%; no homozygotes.

Submissions (4):

Mayo Clinic Laboratories, Mayo Clinic
Classification: Uncertain significance. Last evaluated: 2025-05-19. Review status: criteria provided, single submitter. Criteria: ACMG Guidelines, 2015. Collection method: clinical testing. Allele origin: germline. Observed: 1 variant allele.
Comment: BS1

Blueprint Genetics
Classification: Uncertain significance. Last evaluated: 2024-10-23. Review status: criteria provided, single submitter. Criteria: ACMG Guidelines, 2015. Collection method: clinical testing. Allele origin: germline.

Labcorp Genetics (formerly Invitae), Labcorp
Classification: Uncertain significance. Last evaluated: 2022-08-08. Review status: criteria provided, single submitter. Criteria: Invitae Variant Classification Sherloc (09022015). Collection method: clinical testing. Allele origin: germline.
Comment: This sequence change replaces glycine, which is neutral and non-polar, with valine, which is neutral and non-polar, at codon 418 of the HPS6 protein (p.Gly418Val). This variant is present in population databases (rs201468546, gnomAD 0.1%). This variant has not been reported in the literature in individuals affected with HPS6-related conditions. ClinVar contains an entry for this variant (Variation ID: 879247). Algorithms developed to predict the effect of missense changes on protein structure and function are either unavailable or do not agree on the potential impact of this missense change (SIFT: "Deleterious"; PolyPhen-2: "Probably Damaging"; Align-GVGD: "Class C15"). In summary, the available evidence is currently insufficient to determine the role of this variant in disease. Therefore, it has been classified as a Variant of Uncertain Significance.

Illumina Laboratory Services, Illumina
Classification: Uncertain significance for Hermansky-Pudlak syndrome 6. Last evaluated: 2017-04-27. Review status: criteria provided, single submitter. Criteria: ICSL Variant Classification Criteria 13 December 2019. Collection method: clinical testing. Allele origin: germline.